The following is an entry in ClinVar:

NM_001081.4(CUBN):c.10267G>A (p.Val3423Ile)

Gene: CUBN (cubilin; minus strand). Cytogenetic location: 10p13.
Variant type: single nucleotide variant.
Coding change: c.10267G>A on transcript NM_001081.4 (MANE Select); coding-DNA position 10267, G replaced by A.
Protein change: p.Val3423Ile; replaces valine 3423 with isoleucine.
Molecular consequence: missense variant.
Genome position (GRCh38, 1-based): chr10:16,835,109, C>T on the plus strand (G>A on the coding strand, the complement: CUBN is on the minus strand). VCF-style: chr10-16835109-C-T. GRCh37 (hg19) VCF-style: chr10-16877108-C-T.
Other names: short protein forms V3423I.
Identifiers: ClinVar variation 299363 (VCV000299363.16), dbSNP rs145872906, ClinGen allele CA5422423.

ClinVar aggregate classification (germline): Benign/Likely benign. Review status: criteria provided, multiple submitters, no conflicts (2 of 4 stars). 4 submissions from 4 submitters: Benign (1); Likely benign (3). Last evaluated 2026-01-25.

Conditions:
Inborn genetic diseases. Identifiers: MedGen C0950123, MeSH D030342.
Imerslund-Grasbeck syndrome. Also called: ENTEROCYTE COBALAMIN MALABSORPTION; ENTEROCYTE INTRINSIC FACTOR RECEPTOR, DEFECT OF; Imerslund-Gräsbeck syndrome; PERNICIOUS ANEMIA, JUVENILE, DUE TO SELECTIVE INTESTINAL MALABSORPTION OF VITAMIN B12, WITH PROTEINURIA; Megaloblastic anemia due to inborn errors of metabolism. Identifiers: Orphanet 35858, MedGen C4551825, MONDO:0009853.
Imerslund-Grasbeck syndrome type 1 (IGS1). Also called: Megaloblastic anemia 1, Finnish type; MEGALOBLASTIC ANEMIA, 1; Imerslund-Gräsbeck syndrome 1. Identifiers: MedGen C4016819, MONDO:0100156, OMIM 261100.

Allele frequency attached by ClinVar (database versions not stated): gnomAD exomes 0.00023 and 0.00072; ExAC 0.00093; 1000 Genomes Project 0.00240; 1000 Genomes Project 30x 0.00265; gnomAD 0.00281 and 0.00305; ESP Exome Variant Server 0.00308; TOPMed 0.00312.
gnomAD v4.1: 776 of 1,614,056 alleles (0.048%); highest among the groups gnomAD compares: African/African-American, 0.92%; 6 homozygotes.

Submissions (4):

Labcorp Genetics (formerly Invitae), Labcorp
Classification: Benign for Imerslund-Grasbeck syndrome. Last evaluated: 2026-01-25. Review status: criteria provided, single submitter. Criteria: Invitae Variant Classification Sherloc (09022015). Collection method: clinical testing. Allele origin: germline.

Blueprint Genetics
Classification: Likely benign. Last evaluated: 2024-10-15. Review status: criteria provided, single submitter. Criteria: ACMG Guidelines, 2015. Collection method: clinical testing. Allele origin: germline.

Ambry Genetics
Classification: Likely benign for Inborn genetic diseases. Last evaluated: 2022-12-14. Review status: criteria provided, single submitter. Criteria: Ambry Variant Classification Scheme 2023. Collection method: clinical testing. Allele origin: germline.

Illumina Laboratory Services, Illumina
Classification: Likely benign for Imerslund-Grasbeck syndrome type 1. Last evaluated: 2018-01-12. Review status: criteria provided, single submitter. Criteria: ICSL Variant Classification Criteria 13 December 2019. Collection method: clinical testing. Allele origin: germline.
Comment: This variant was observed in the ICSL laboratory as part of a predisposition screen in an ostensibly healthy population. It had not been previously curated by ICSL or reported in the Human Gene Mutation Database (HGMD: prior to June 1st, 2018), and was therefore a candidate for classification through an automated scoring system. Utilizing variant allele frequency, disease prevalence and penetrance estimates, and inheritance mode, an automated score was calculated to assess if this variant is too frequent to cause the disease. Based on the score and internal cut-off values, a variant classified as likely benign is not then subjected to further curation. The score for this variant resulted in a classification of likely benign for this disease.